The following is an entry in ClinVar:

NM_001127671.2(LIFR):c.1778_1782del (p.Lys593fs)

Gene: LIFR (LIF receptor subunit alpha; minus strand). Cytogenetic location: 5p13.1.
Variant type: Deletion.
Coding change: c.1778_1782del on transcript NM_001127671.2 (MANE Select); coding-DNA positions 1778 to 1782, 5 bases deleted (AAGCA; older notation c.1778_1782delAAGCA).
Protein change: p.Lys593fs; shifts the reading frame from lysine 593.
Molecular consequence: frameshift variant.
Genome position (GRCh38, 1-based): chr5:38,496,485-38,496,489, TGCTT deleted on the plus strand (AAGCA on the coding strand, the reverse complement: LIFR is on the minus strand); deleting any 5 consecutive bases within chr5:38,496,485-38,496,491 gives the same sequence; the c. name uses the placement nearest the transcript's 3' end. VCF-style (leftmost placement, unchanged base first): chr5-38496484-CTGCTT-C. GRCh37 (hg19) VCF-style: chr5-38496586-CTGCTT-C.
Other names: c.1778_1782del, p.Lys593fs (NM_001364297.2, NM_001364298.2, NM_002310.6); short protein forms K593fs.
Identifiers: ClinVar variation 4734754 (VCV004734754.1).
Genomic context (GRCh38, chr5:38,496,484, plus strand): 5'-AGCCCACAGAATTTTTAGCCACTACGCTGATGATGTAGTCATTCTTATCAAGTCGTATCT[CTGCTT>C]TGTGCTGAGGATCAGGGATTTCAGAAAGGGACTGTGTTTCCTCATCTGATGAACACGATA-3'

ClinVar aggregate classification (germline): Pathogenic (1 of 4 stars; one submission).

Submission:

Labcorp Genetics (formerly Invitae), Labcorp
Classification: Pathogenic. Last evaluated: 2026-01-19. Review status: criteria provided, single submitter. Criteria: Invitae Variant Classification Sherloc (09022015). Collection method: clinical testing. Allele origin: germline.
Comment: This sequence change creates a premature translational stop signal (p.Lys593Argfs*5) in the LIFR gene. It is expected to result in an absent or disrupted protein product. Loss-of-function variants in LIFR are known to be pathogenic (PMID: 14740318). This variant is not present in population databases (gnomAD no frequency). This variant has not been reported in the literature in individuals affected with LIFR-related conditions. For these reasons, this variant has been classified as Pathogenic.

Literature cited by the submitters: PubMed 14740318.